The following is an entry in ClinVar:

NM_000455.5(STK11):c.406A>G (p.Met136Val)

Gene: STK11 (serine/threonine kinase 11; plus strand). Cytogenetic location: 19p13.3.
Variant type: single nucleotide variant.
Coding change: c.406A>G on transcript NM_000455.5 (MANE Select); coding-DNA position 406, A replaced by G.
Protein change: p.Met136Val; replaces methionine 136 with valine.
Molecular consequence: missense variant.
Genome position (GRCh38, 1-based): chr19:1,219,355, A>G. VCF-style: chr19-1219355-A-G. GRCh37 (hg19) VCF-style: chr19-1219354-A-G.
Other names: short protein forms M136V.
Identifiers: ClinVar variation 578838 (VCV000578838.13), dbSNP rs1568705410, ClinGen allele CA402948199.

ClinVar aggregate classification (germline): Uncertain significance. Review status: criteria provided, multiple submitters, no conflicts (2 of 4 stars). 4 submissions from 4 submitters: Uncertain significance (4). Last evaluated 2025-07-03.

Conditions:
Hereditary cancer-predisposing syndrome. Also called: Hereditary neoplastic syndrome; Tumor predisposition; Hereditary Cancer Syndrome; Neoplastic Syndromes, Hereditary. Identifiers: Orphanet 140162, MedGen C0027672, MeSH D009386, MONDO:0015356.
Peutz-Jeghers syndrome (PJS). Also called: POLYPOSIS, HAMARTOMATOUS INTESTINAL; POLYPS-AND-SPOTS SYNDROME; Peutz-Jeghers polyposis; Periorificial lentiginosis syndrome. Identifiers: Orphanet 2869, MedGen C0031269, MeSH D010580, MONDO:0008280, OMIM 175200.

Submissions (4):

Ambry Genetics
Classification: Uncertain significance for Hereditary cancer-predisposing syndrome. Last evaluated: 2025-07-03. Review status: criteria provided, single submitter. Criteria: Ambry Variant Classification Scheme 2023. Collection method: clinical testing. Allele origin: germline.
Comment: The p.M136V variant (also known as c.406A>G), located in coding exon 3 of the STK11 gene, results from an A to G substitution at nucleotide position 406. The methionine at codon 136 is replaced by valine, an amino acid with highly similar properties. This amino acid position is highly conserved in available vertebrate species. In addition, the in silico prediction for this alteration is inconclusive. Based on the available evidence, the clinical significance of this variant remains unclear.

Color Diagnostics, LLC DBA Color Health
Classification: Uncertain significance for Hereditary cancer-predisposing syndrome. Last evaluated: 2025-06-09. Review status: criteria provided, single submitter. Criteria: ACMG Guidelines, 2015. Collection method: clinical testing. Allele origin: germline.
Comment: This missense variant replaces methionine with valine at codon 136 of the STK11 protein. Computational prediction is inconclusive regarding the impact of this variant on protein structure and function. To our knowledge, functional studies have not been reported for this variant. This variant has not been reported in individuals affected with STK11-related disorders in the literature. This variant has not been identified in the general population by the Genome Aggregation Database (gnomAD). The available evidence is insufficient to determine the role of this variant in disease conclusively. Therefore, this variant is classified as a Variant of Uncertain Significance.

Labcorp Genetics (formerly Invitae), Labcorp
Classification: Uncertain significance for Peutz-Jeghers syndrome. Last evaluated: 2025-04-30. Review status: criteria provided, single submitter. Criteria: Invitae Variant Classification Sherloc (09022015). Collection method: clinical testing. Allele origin: germline.
Comment: This sequence change replaces methionine, which is neutral and non-polar, with valine, which is neutral and non-polar, at codon 136 of the STK11 protein (p.Met136Val). This variant is not present in population databases (gnomAD no frequency). This variant has not been reported in the literature in individuals affected with STK11-related conditions. ClinVar contains an entry for this variant (Variation ID: 578838). Invitae Evidence Modeling of protein sequence and biophysical properties (such as structural, functional, and spatial information, amino acid conservation, physicochemical variation, residue mobility, and thermodynamic stability) has been performed for this missense variant. However, the output from this modeling did not meet the statistical confidence thresholds required to predict the impact of this variant on STK11 protein function. In summary, the available evidence is currently insufficient to determine the role of this variant in disease. Therefore, it has been classified as a Variant of Uncertain Significance.

All of Us Research Program, National Institutes of Health
Classification: Uncertain significance for Peutz-Jeghers syndrome. Last evaluated: 2023-04-03. Review status: criteria provided, single submitter. Criteria: ACMG Guidelines, 2015. Collection method: clinical testing. Allele origin: germline. Inheritance: Autosomal dominant inheritance. Observed: 1 variant allele, 1 heterozygote.
Comment: This missense variant replaces methionine with valine at codon 136 of the STK11 protein. Computational prediction is inconclusive regarding the impact of this variant on protein structure and function (internally defined REVEL score threshold 0.5 < inconclusive < 0.7, PMID: 27666373). To our knowledge, functional studies have not been reported for this variant. This variant has not been reported in individuals affected with STK11-related disorders in the literature. This variant has not been identified in the general population by the Genome Aggregation Database (gnomAD). The available evidence is insufficient to determine the role of this variant in disease conclusively. Therefore, this variant is classified as a Variant of Uncertain Significance.

This study involves interpretation of variants in research participants for the purpose of population health screening. Participant phenotype was not available at the time of variant classification. Additional details can be found in publication PMID: 35346344, PMCID: PMC8962531